The following is an entry in ClinVar:

NM_178554.6(KY):c.263-3T>C

Genes: CEP63 (centrosomal protein 63; plus strand), KY (kyphoscoliosis peptidase; minus strand). Cytogenetic location: 3q22.2.
Variant type: single nucleotide variant.
Coding change: c.263-3T>C on transcript NM_178554.6 (MANE Select); 3 bases into the intron before coding-DNA position 263, T replaced by C.
Molecular consequence: intron variant.
Genome position (GRCh38, 1-based): chr3:134,629,698, A>G on the plus strand (T>C on the coding strand, the complement: KY is on the minus strand). VCF-style: chr3-134629698-A-G. GRCh37 (hg19) VCF-style: chr3-134348540-A-G.
Other names: c.200-3T>C (NM_001350859.2, NM_001366276.1); c.137-3T>C (NM_001350860.2); c.263-3T>C (NM_001366277.2).
Identifiers: ClinVar variation 3045499 (VCV003045499.2), dbSNP rs777981227, ClinGen allele CA2629334.
Genomic context (GRCh38, chr3:134,629,698, plus strand): 5'-TTCTTGAGCAGCTGGGGCATGGCATCTCGAGGGTGGACTTCCACAGTCAGTTGTGTCCCT[A>G]CAAAGGAAAAGGAGATGACATTCTCAACCAGATGCTGCCAGGAAAGGGTGAATGCCTCAT-3'

ClinVar aggregate classification (germline): Likely benign (0 of 4 stars; one submission).

Conditions:
KY-related disorder. Also called: KY-related condition.

Allele frequency attached by ClinVar (database versions not stated): ExAC 0.00005; gnomAD 0.00005; TOPMed 0.00007.
gnomAD v4.1: 24 of 1,582,496 alleles (0.0015%); highest among the groups gnomAD compares: African/African-American, 0.028%; no homozygotes.

Submission:

PreventionGenetics, part of Exact Sciences
Classification: Likely benign for KY-related condition. Last evaluated: 2019-11-14. Review status: no assertion criteria provided. Collection method: clinical testing. Allele origin: germline.
Comment: This variant is classified as likely benign based on ACMG/AMP sequence variant interpretation guidelines (Richards et al. 2015 PMID: 25741868, with internal and published modifications).